The following is an entry in ClinVar:

NM_002769.5(PRSS1):c.574G>A (p.Gly192Ser)

Genes: TRB (T cell receptor beta locus; plus strand), PRSS1 (serine protease 1; plus strand). Cytogenetic location: 7q34.
Variant type: single nucleotide variant.
Coding change: c.574G>A on transcript NM_002769.5 (MANE Select); coding-DNA position 574, G replaced by A.
Protein change: p.Gly192Ser; replaces glycine 192 with serine.
Molecular consequence: missense variant. On other transcripts: non-coding transcript variant (5).
Genome position (GRCh38, 1-based): chr7:142,752,550, G>A. VCF-style: chr7-142752550-G-A. GRCh37 (hg19) VCF-style: chr7-142460401-G-A.
Other names: short protein forms G192S.
Identifiers: ClinVar variation 4560626 (VCV004560626.1).

ClinVar aggregate classification (germline): Uncertain significance (1 of 4 stars; one submission).

Conditions:
Hereditary pancreatitis (PCTT). Also called: Hereditary chronic pancreatitis; PRSS1-Related Hereditary Pancreatitis. Identifiers: Orphanet 676, MedGen C0238339, MONDO:0008185, OMIM 167800.

gnomAD v4.1: 1 of 1,614,180 alleles (0.000062%); highest among the groups gnomAD compares: East Asian, 0.0022%; no homozygotes.

Submission:

Ambry Genetics
Classification: Uncertain significance for Hereditary pancreatitis. Last evaluated: 2025-09-26. Review status: criteria provided, single submitter. Criteria: Ambry Variant Classification Scheme 2023. Collection method: clinical testing. Allele origin: germline.
Comment: The p.G192S variant (also known as c.574G>A), located in coding exon 4 of the PRSS1 gene, results from a G to A substitution at nucleotide position 574. The glycine at codon 192 is replaced by serine, an amino acid with similar properties. This amino acid position is conserved. In addition, the in silico prediction for this alteration is inconclusive. Based on the available evidence, the clinical significance of this variant remains unclear.